The following is an entry in ClinVar:

ClinVar aggregate classification (germline): Benign/Likely benign. Review status: criteria provided, multiple submitters, no conflicts (2 of 4 stars). 2 submissions from 2 submitters: Benign (1); Likely benign (1). Last evaluated 2025-12-26.

Conditions:
Epidermolysis bullosa simplex 3, localized or generalized intermediate, with BP230 deficiency (EBS3). Also called: Epidermolysis bullosa simplex, autosomal recessive 2; Epidermolysis bullosa simplex due to BP230 deficiency. Identifiers: Orphanet 412181, MedGen C3809470, MONDO:0014180, OMIM 615425.
Hereditary sensory and autonomic neuropathy type 6. Also called: HSAN VI; Neuropathy, hereditary sensory and autonomic, type VI. Identifiers: Orphanet 314381, MedGen C3539003, MONDO:0013839, OMIM 614653.

Allele frequency attached by ClinVar (database versions not stated): gnomAD exomes 0.00013 and 0.00040; ExAC 0.00049; 1000 Genomes Project 30x 0.00156; gnomAD 0.00178 and 0.00195; 1000 Genomes Project 0.00180; TOPMed 0.00187; ESP Exome Variant Server 0.00215.
gnomAD v4.1: 463 of 1,612,924 alleles (0.029%); highest among the groups gnomAD compares: African/African-American, 0.58%; 1 homozygote.

Submissions (2):

Labcorp Genetics (formerly Invitae), Labcorp
Classification: Benign for Epidermolysis bullosa simplex 3, localized or generalized intermediate, with BP230 deficiency; Hereditary sensory and autonomic neuropathy type 6. Last evaluated: 2025-12-26. Review status: criteria provided, single submitter. Criteria: Invitae Variant Classification Sherloc (09022015). Collection method: clinical testing. Allele origin: germline.

Mayo Clinic Laboratories, Mayo Clinic
Classification: Likely benign. Last evaluated: 2024-10-04. Review status: criteria provided, single submitter. Criteria: ACMG Guidelines, 2015. Collection method: clinical testing. Allele origin: germline. Observed: 3 variant alleles.
Comment: BA1, BP4, BP7

NM_001374736.1(DST):c.4906T>C (p.Leu1636=)

Gene: DST (dystonin; minus strand). Cytogenetic location: 6p12.1.
Variant type: single nucleotide variant.
Coding change: c.4906T>C on transcript NM_001374736.1 (MANE Select); coding-DNA position 4906, T replaced by C.
Protein change: p.Leu1636=; no amino-acid change (leucine 1636 retained).
Molecular consequence: synonymous variant.
Genome position (GRCh38, 1-based): chr6:56,624,553, A>G on the plus strand (T>C on the coding strand, the complement: DST is on the minus strand). VCF-style: chr6-56624553-A-G. GRCh37 (hg19) VCF-style: chr6-56489351-A-G.
Other names: p.Leu1099=; c.4807T>C, p.Leu1603= (NM_001144769.5); c.4393T>C, p.Leu1465= (NM_001144770.2); c.4906T>C, p.Leu1636= (NM_001374722.1); c.4273T>C, p.Leu1425= (NM_001374729.1, NM_001374730.1, NM_001386100.1 and 1 more transcripts); c.4933T>C, p.Leu1645= (NM_001374734.1); c.3295T>C, p.Leu1099= (NM_001723.7, NM_015548.5).
Identifiers: ClinVar variation 357590 (VCV000357590.16), dbSNP rs147406105, ClinGen allele CA3870769.